The following is an entry in ClinVar:

ClinVar aggregate classification (germline): Pathogenic. Review status: criteria provided, multiple submitters, no conflicts (2 of 4 stars). 3 submissions from 3 submitters: Pathogenic (3). Last evaluated 2023-11-04.

Conditions:
Usher syndrome type 2A. Also called: RETINAL DISEASE IN USHER SYNDROME TYPE IIA, MODIFIER OF; USHER SYNDROME, TYPE IIA. Identifiers: Orphanet 231178, Orphanet 886, MedGen C1848634, MONDO:0010169, OMIM 276901.

Submissions (3):

Genome-Nilou Lab
Classification: Pathogenic for Usher syndrome type 2A. Last evaluated: 2023-11-04. Review status: criteria provided, single submitter. Criteria: ACMG Guidelines, 2015. Collection method: clinical testing. Allele origin: germline. Affected: no.

Labcorp Genetics (formerly Invitae), Labcorp
Classification: Pathogenic. Last evaluated: 2022-05-03. Review status: criteria provided, single submitter. Criteria: Invitae Variant Classification Sherloc (09022015). Collection method: clinical testing. Allele origin: germline.
Comment: For these reasons, this variant has been classified as Pathogenic. This variant has not been reported in the literature in individuals affected with USH2A-related conditions. This variant is present in population databases (rs768367348, gnomAD 0.003%). This sequence change creates a premature translational stop signal (p.Asn2710Glnfs*7) in the USH2A gene. It is expected to result in an absent or disrupted protein product. Loss-of-function variants in USH2A are known to be pathogenic (PMID: 10729113, 10909849, 20507924, 25649381).

DBGen Ocular Genomics
Classification: Pathogenic for Usher syndrome type 2A. Last evaluated: 2021-10-01. Review status: criteria provided, single submitter. Criteria: ACMG Guidelines, 2015. Collection method: clinical testing. Allele origin: germline. Affected: yes. Observed: 1 variant allele.

Literature cited by the submitters: PubMed 10729113 (cited by Labcorp Genetics (formerly Invitae), Labcorp); PubMed 10909849 (cited by Labcorp Genetics (formerly Invitae), Labcorp); PubMed 20507924 (cited by Labcorp Genetics (formerly Invitae), Labcorp); PubMed 25649381 (cited by Labcorp Genetics (formerly Invitae), Labcorp).

NM_206933.4(USH2A):c.8126_8127dup (p.Asn2710fs)

Gene: USH2A (usherin; minus strand). Cytogenetic location: 1q41.
Variant type: Microsatellite.
Coding change: c.8126_8127dup on transcript NM_206933.4 (MANE Select); coding-DNA positions 8126 to 8127, 2 bases duplicated (CA; older notation c.8126_8127dupCA).
Protein change: p.Asn2710fs; shifts the reading frame from asparagine 2710.
Molecular consequence: frameshift variant.
Genome position (GRCh38, 1-based): chr1:215,888,522-215,888,523, TG duplicated on the plus strand (CA on the coding strand, the reverse complement: USH2A is on the minus strand); duplicating any 2 consecutive bases within chr1:215,888,522-215,888,525 gives the same sequence; the c. name uses the placement nearest the transcript's 3' end. VCF-style (leftmost placement, unchanged base first): chr1-215888521-T-TTG. GRCh37 (hg19) VCF-style: chr1-216061863-T-TTG.
Other names: short protein forms N2710fs.
Identifiers: ClinVar variation 1298334 (VCV001298334.8), dbSNP rs768367348, ClinGen allele CA1394682.